The following is an entry in ClinVar:

ClinVar aggregate classification (germline): Uncertain significance (1 of 4 stars; one submission).

Conditions:
Hereditary cancer-predisposing syndrome. Also called: Neoplastic Syndromes, Hereditary; Tumor predisposition; Hereditary Cancer Syndrome; Hereditary neoplastic syndrome. Identifiers: Orphanet 140162, MedGen C0027672, MeSH D009386, MONDO:0015356.

Submission:

Ambry Genetics
Classification: Uncertain significance for Hereditary cancer-predisposing syndrome. Last evaluated: 2026-04-20. Review status: criteria provided, single submitter. Criteria: Ambry Variant Classification Scheme 2023. Collection method: clinical testing. Allele origin: germline.
Comment: The p.K331T variant (also known as c.992A>C), located in coding exon 7 of the RAD50 gene, results from an A to C substitution at nucleotide position 992. The lysine at codon 331 is replaced by threonine, an amino acid with similar properties. This amino acid position is conserved. In addition, this alteration is predicted to be tolerated by in silico analysis. Based on the available evidence, the clinical significance of this variant remains unclear.

NM_005732.4(RAD50):c.992A>C (p.Lys331Thr)

Gene: RAD50 (RAD50 double strand break repair protein; plus strand). Cytogenetic location: 5q31.1.
Variant type: single nucleotide variant.
Coding change: c.992A>C on transcript NM_005732.4 (MANE Select); coding-DNA position 992, A replaced by C.
Protein change: p.Lys331Thr; replaces lysine 331 with threonine.
Molecular consequence: missense variant.
Genome position (GRCh38, 1-based): chr5:132,588,030, A>C. VCF-style: chr5-132588030-A-C. GRCh37 (hg19) VCF-style: chr5-131923722-A-C.
Other names: short protein forms K331T.
Identifiers: ClinVar variation 4862839 (VCV004862839.1).